The following is an entry in ClinVar:

ClinVar aggregate classification (germline): Uncertain significance (1 of 4 stars; one submission).

Submission:

GeneDx
Classification: Uncertain significance. Last evaluated: 2025-02-07. Review status: criteria provided, single submitter. Criteria: GeneDx Variant Classification Process June 2021. Collection method: clinical testing. Allele origin: germline. Affected: yes.
Comment: Not observed at significant frequency in large population cohorts (gnomAD); In silico analysis supports that this missense variant has a deleterious effect on protein structure/function; Has not been previously published as pathogenic or benign to our knowledge

NM_015922.3(NSDHL):c.803C>T (p.Thr268Ile)

Gene: NSDHL (NAD(P) dependent 3-beta-hydroxysteroid dehydrogenase NSDHL; plus strand). Cytogenetic location: Xq28.
Variant type: single nucleotide variant.
Coding change: c.803C>T on transcript NM_015922.3 (MANE Select); coding-DNA position 803, C replaced by T.
Protein change: p.Thr268Ile; replaces threonine 268 with isoleucine.
Molecular consequence: missense variant.
Genome position (GRCh38, 1-based): chrX:152,868,797, C>T. VCF-style: chrX-152868797-C-T. GRCh37 (hg19) VCF-style: chrX-152037341-C-T.
Other names: c.803C>T, p.Thr268Ile (NM_001129765.2, NM_001441099.1); short protein forms T268I.
Identifiers: ClinVar variation 4074600 (VCV004074600.1).